The following is an entry in ClinVar:

ClinVar aggregate classification (germline): Benign. Review status: criteria provided, multiple submitters, no conflicts (2 of 4 stars). 2 submissions from 2 submitters: Benign (2). Last evaluated 2019-07-02.

Conditions:
Autosomal recessive optic atrophy, OPA7 type. Also called: OPTIC ATROPHY 7 WITH OR WITHOUT AUDITORY NEUROPATHY. Identifiers: Orphanet 227976, Orphanet 98676, MedGen C2751812, MONDO:0013069, OMIM 612989.

Allele frequency attached by ClinVar (database versions not stated): gnomAD exomes 0.00543; gnomAD 0.05967 and 0.06369; TOPMed 0.06564; 1000 Genomes Project 0.06909; 1000 Genomes Project 30x 0.07542.

Submissions (2):

GeneDx
Classification: Benign. Last evaluated: 2019-07-02. Review status: criteria provided, single submitter. Criteria: GeneDx Variant Classification Process June 2021. Collection method: clinical testing. Allele origin: germline. Affected: yes.

Illumina Laboratory Services, Illumina
Classification: Benign for Autosomal recessive optic atrophy, OPA7 type. Last evaluated: 2017-04-27. Review status: criteria provided, single submitter. Criteria: ICSL Variant Classification Criteria 13 December 2019. Collection method: clinical testing. Allele origin: germline.
Comment: This variant was observed as part of a predisposition screen in an ostensibly healthy population. A literature search was performed for the gene, cDNA change, and amino acid change (where applicable). No publications were found based on this search. Allele frequency data from public databases was too high to be consistent with this variant causing disease. Therefore, this variant is classified as benign.

NM_032273.4(TMEM126A):c.-69T>A

Genes: TMEM126A (transmembrane protein 126A; plus strand), LOC130006551 (ATAC-STARR-seq lymphoblastoid active region 5367; plus strand). Cytogenetic location: 11q14.1.
Variant type: single nucleotide variant.
Coding change: c.-69T>A on transcript NM_032273.4 (MANE Select); 69 bases upstream of the start codon, T replaced by A.
Molecular consequence: 5 prime UTR variant.
Genome position (GRCh38, 1-based): chr11:85,648,028, T>A. VCF-style: chr11-85648028-T-A. GRCh37 (hg19) VCF-style: chr11-85359072-T-A.
Other names: c.-186T>A (NM_001244735.2).
Identifiers: ClinVar variation 306320 (VCV000306320.6), dbSNP rs17148285, ClinGen allele CA10635794.
Genomic context (GRCh38, chr11:85,648,028, plus strand): 5'-CGCCGCGTCACGAGTCAGCCAAAGATGGCTGCGCCCAGGTAATTTGAGCAAAGGCCACAG[T>A]GAACTCCGGCGTGGCTGAGGAAGGAGGAGGCACCCACAGGCTGCTGGGAGGAGAGCATAA-3'